The following is an entry in ClinVar:

NM_001377.3(DYNC2H1):c.5335-1G>A

Gene: DYNC2H1 (dynein cytoplasmic 2 heavy chain 1; plus strand). Cytogenetic location: 11q22.3.
Variant type: single nucleotide variant.
Coding change: c.5335-1G>A on transcript NM_001377.3 (MANE Select); the canonical splice acceptor site of the intron before coding-DNA position 5335, G replaced by A.
Molecular consequence: splice acceptor variant.
Genome position (GRCh38, 1-based): chr11:103,173,081, G>A. VCF-style: chr11-103173081-G-A. GRCh37 (hg19) VCF-style: chr11-103043810-G-A.
Other names: c.5335-1G>A (NM_001080463.2).
Identifiers: ClinVar variation 2760983 (VCV002760983.3), dbSNP rs2497151496, ClinGen allele CA382242494.

ClinVar aggregate classification (germline): Likely pathogenic (1 of 4 stars; one submission).

Conditions:
Jeune thoracic dystrophy. Also called: Jeune syndrome; Infantile thoracic dystrophy; Thoracic pelvic phalangeal dystrophy; Jeune's syndrome; Chondroectodermal dysplasia-like syndrome; Short-rib thoracic dysplasia. Identifiers: Orphanet 474, MedGen C0265275, MONDO:0018770.

Submission:

Labcorp Genetics (formerly Invitae), Labcorp
Classification: Likely pathogenic for Jeune thoracic dystrophy. Last evaluated: 2023-09-15. Review status: criteria provided, single submitter. Criteria: Invitae Variant Classification Sherloc (09022015). Collection method: clinical testing. Allele origin: germline.
Comment: In summary, the currently available evidence indicates that the variant is pathogenic, but additional data are needed to prove that conclusively. Therefore, this variant has been classified as Likely Pathogenic. Algorithms developed to predict the effect of sequence changes on RNA splicing suggest that this variant may disrupt the consensus splice site. This variant has not been reported in the literature in individuals affected with DYNC2H1-related conditions. This variant is not present in population databases (gnomAD no frequency). This sequence change affects an acceptor splice site in intron 34 of the DYNC2H1 gene. It is expected to disrupt RNA splicing. Variants that disrupt the donor or acceptor splice site typically lead to a loss of protein function (PMID: 16199547), and loss-of-function variants in DYNC2H1 are known to be pathogenic (PMID: 23339108, 32753734, 33755199).

Literature cited by the submitters: PubMed 16199547; PubMed 23339108; PubMed 32753734; PubMed 33755199.